The following is an entry in ClinVar:

NM_181776.3(SLC36A2):c.1385C>A (p.Ala462Asp)

Gene: SLC36A2 (solute carrier family 36 member 2; minus strand). Cytogenetic location: 5q33.1.
Variant type: single nucleotide variant.
Coding change: c.1385C>A on transcript NM_181776.3 (MANE Select); coding-DNA position 1385, C replaced by A.
Protein change: p.Ala462Asp; replaces alanine 462 with aspartic acid.
Molecular consequence: missense variant.
Genome position (GRCh38, 1-based): chr5:151,316,884, G>T on the plus strand (C>A on the coding strand, the complement: SLC36A2 is on the minus strand). VCF-style: chr5-151316884-G-T. GRCh37 (hg19) VCF-style: chr5-150696445-G-T.
Other names: short protein forms A462D.
Identifiers: ClinVar variation 2883131 (VCV002883131.3), dbSNP rs748266105, ClinGen allele CA3518546.
Genomic context (GRCh38, chr5:151,316,884, plus strand): 5'-ACAAAAGTGGTGGAGTTGGAAAAGGGGTGAGAGTCTTCTGACTTGAGCAGCTCGTCCAGG[G>T]CCTGGTAGGTCCCCACCACAAAGCCCACGAAGCCCAGGATGCTGATCAGGGCGTCCTTGA-3'
Protein context (NP_861441.2, residues 452-472): FVGFVVGTYQ[Ala462Asp]LDELLKSEDS

ClinVar aggregate classification (germline): Uncertain significance (1 of 4 stars; one submission).

Allele frequency attached by ClinVar (database versions not stated): ExAC 0.00005.

Submission:

Labcorp Genetics (formerly Invitae), Labcorp
Classification: Uncertain significance. Last evaluated: 2024-04-30. Review status: criteria provided, single submitter. Criteria: Invitae Variant Classification Sherloc (09022015). Collection method: clinical testing. Allele origin: germline.
Comment: This sequence change replaces alanine, which is neutral and non-polar, with aspartic acid, which is acidic and polar, at codon 462 of the SLC36A2 protein (p.Ala462Asp). This variant is present in population databases (rs748266105, gnomAD 0.008%). This variant has not been reported in the literature in individuals affected with SLC36A2-related conditions. Advanced modeling of protein sequence and biophysical properties (such as structural, functional, and spatial information, amino acid conservation, physicochemical variation, residue mobility, and thermodynamic stability) performed at Invitae indicates that this missense variant is not expected to disrupt SLC36A2 protein function with a negative predictive value of 80%. In summary, the available evidence is currently insufficient to determine the role of this variant in disease. Therefore, it has been classified as a Variant of Uncertain Significance.